The following is an entry in ClinVar:

ClinVar aggregate classification (germline): Uncertain significance. Review status: criteria provided, multiple submitters, no conflicts (2 of 4 stars). 2 submissions from 2 submitters: Uncertain significance (2). Last evaluated 2024-04-05.

Conditions:
Keratoderma-ichthyosis-deafness syndrome, autosomal recessive (KDIDAR). Identifiers: MedGen C5774200, MONDO:0859278, OMIM 620009.
Cholestasis, progressive familial intrahepatic, 12 (PFIC12). Also called: CHOLESTASIS, ISOLATED LOW-GGT. Identifiers: MedGen C5774311, MONDO:0031040, OMIM 620010.
Arthrogryposis, renal dysfunction, and cholestasis 1 (ARCS1). Identifiers: Orphanet 2697, MedGen C1859722, MONDO:0008822, OMIM 208085.

Allele frequency attached by ClinVar (database versions not stated): ExAC 0.00002; gnomAD exomes 0.00007; gnomAD 0.00008; TOPMed 0.00011; ESP Exome Variant Server 0.00015.
gnomAD v4.1: 118 of 1,614,000 alleles (0.0073%); highest among the groups gnomAD compares: African/African-American, 0.017%; no homozygotes.

Submissions (2):

Fulgent Genetics
Classification: Uncertain significance for Arthrogryposis, renal dysfunction, and cholestasis 1; Keratoderma-ichthyosis-deafness syndrome, autosomal recessive; Cholestasis, progressive familial intrahepatic, 12. Last evaluated: 2024-04-05. Review status: criteria provided, single submitter. Criteria: ACMG Guidelines, 2015. Collection method: clinical testing. Allele origin: germline.

Labcorp Genetics (formerly Invitae), Labcorp
Classification: Uncertain significance. Last evaluated: 2022-07-14. Review status: criteria provided, single submitter. Criteria: Invitae Variant Classification Sherloc (09022015). Collection method: clinical testing. Allele origin: germline.
Comment: This sequence change replaces arginine, which is basic and polar, with glutamine, which is neutral and polar, at codon 107 of the VPS33B protein (p.Arg107Gln). This variant is present in population databases (rs199921354, gnomAD 0.02%). This variant has not been reported in the literature in individuals affected with VPS33B-related conditions. Algorithms developed to predict the effect of missense changes on protein structure and function are either unavailable or do not agree on the potential impact of this missense change (SIFT: "Not Available"; PolyPhen-2: "Possibly Damaging"; Align-GVGD: "Not Available"). In summary, the available evidence is currently insufficient to determine the role of this variant in disease. Therefore, it has been classified as a Variant of Uncertain Significance.

NM_018668.5(VPS33B):c.320G>A (p.Arg107Gln)

Gene: VPS33B (VPS33B late endosome and lysosome associated; minus strand). Cytogenetic location: 15q26.1.
Variant type: single nucleotide variant.
Coding change: c.320G>A on transcript NM_018668.5 (MANE Select); coding-DNA position 320, G replaced by A.
Protein change: p.Arg107Gln; replaces arginine 107 with glutamine.
Molecular consequence: missense variant.
Genome position (GRCh38, 1-based): chr15:91,013,841, C>T on the plus strand (G>A on the coding strand, the complement: VPS33B is on the minus strand). VCF-style: chr15-91013841-C-T. GRCh37 (hg19) VCF-style: chr15-91557071-C-T.
Other names: c.239G>A, p.Arg80Gln (NM_001289148.1); c.47G>A, p.Arg16Gln (NM_001289149.1); short protein forms R16Q, R80Q, R107Q.
Identifiers: ClinVar variation 2040830 (VCV002040830.2), dbSNP rs199921354, ClinGen allele CA7745111.